The following is an entry in ClinVar:

ClinVar aggregate classification (germline): Benign. Review status: criteria provided, multiple submitters, no conflicts (2 of 4 stars). 2 submissions from 2 submitters: Benign (2). Last evaluated 2019-12-29.

Submissions (7):

Labcorp Genetics (formerly Invitae), Labcorp
Classification: Benign. Last evaluated: 2019-12-29. Review status: criteria provided, single submitter. Criteria: Invitae Variant Classification Sherloc (09022015). Collection method: clinical testing. Allele origin: germline.

Laboratory for Molecular Medicine, Mass General Brigham Personalized Medicine
Classification: Benign. Last evaluated: 2016-03-29. Review status: criteria provided, single submitter. Criteria: LMM Criteria. Collection method: clinical testing. Allele origin: germline.
Comment: Variant identified in a genome or exome case(s) and assessed due to predicted null impact of the variant or pathogenic assertions in the literature or databases. Disclaimer: This variant has not undergone full assessment. The following are preliminary notes: Frequency in ESP (all): 486/12518=3.8%. Frequency in 1000Genomes: 165/2178= 7.5%

Dr. Peter K. Rogan Lab, Western University
No classification provided (evidence only). Condition: Colon adenocarcinoma. Review status: no classification provided. Collection method: in vitro. Allele origin: not applicable. Functional consequence: retained intron. Not counted in ClinVar's aggregate classification.

Dr. Peter K. Rogan Lab, Western University
No classification provided (evidence only). Condition: Malignant lymphoma, large B-cell, diffuse. Review status: no classification provided. Collection method: in vitro. Allele origin: not applicable. Functional consequence: retained intron. Not counted in ClinVar's aggregate classification.

Dr. Peter K. Rogan Lab, Western University
No classification provided (evidence only). Condition: Nonpapillary renal cell carcinoma. Review status: no classification provided. Collection method: in vitro. Allele origin: not applicable. Functional consequence: retained intron. Not counted in ClinVar's aggregate classification.

Dr. Peter K. Rogan Lab, Western University
No classification provided (evidence only). Condition: Uveal melanoma. Review status: no classification provided. Collection method: in vitro. Allele origin: not applicable. Functional consequence: retained intron. Not counted in ClinVar's aggregate classification.

Dr. Peter K. Rogan Lab, Western University
No classification provided (evidence only). Condition: Malignant tumor of esophagus. Review status: no classification provided. Collection method: in vitro. Allele origin: not applicable. Functional consequence: retained intron. Not counted in ClinVar's aggregate classification.

NM_025220.5(ADAM33):c.2412_2419del (p.Gln804fs)

Gene: ADAM33 (ADAM metallopeptidase domain 33; minus strand). Cytogenetic location: 20p13.
Variant type: Deletion.
Coding change: c.2412_2419del on transcript NM_025220.5 (MANE Select); coding-DNA positions 2412 to 2419, 8 bases deleted (AGTCCAGA; older notation c.2412_2419delAGTCCAGA).
Protein change: p.Gln804fs; shifts the reading frame from glutamine 804.
Molecular consequence: frameshift variant.
Genome position (GRCh38, 1-based): chr20:3,668,986-3,668,993, TCTGGACT deleted on the plus strand (AGTCCAGA on the coding strand, the reverse complement: ADAM33 is on the minus strand); deleting any 8 consecutive bases within chr20:3,668,986-3,668,994 gives the same sequence; the c. name uses the placement nearest the transcript's 3' end. VCF-style (leftmost placement, unchanged base first): chr20-3668985-ATCTGGACT-A. GRCh37 (hg19) VCF-style: chr20-3649632-ATCTGGACT-A.
Other names: NC_000020.10:g.3649634_3649641del; c.2409_2416del, p.Gln803fs (NM_001282447.3); c.2334_2341del, p.Gln778fs (NM_153202.4); short protein forms Q803fs, Q804fs, Q778fs.
Identifiers: ClinVar variation 402342 (VCV000402342.9), dbSNP rs17548837, ClinGen allele CA9744992.